The following is an entry in ClinVar:

NM_000186.4(CFH):c.3301C>T (p.Gln1101Ter)

Gene: CFH (complement factor H; plus strand). Cytogenetic location: 1q31.3.
Variant type: single nucleotide variant.
Coding change: c.3301C>T on transcript NM_000186.4 (MANE Select); coding-DNA position 3301, C replaced by T.
Protein change: p.Gln1101Ter; replaces glutamine 1101 with a stop codon.
Molecular consequence: nonsense.
Genome position (GRCh38, 1-based): chr1:196,743,619, C>T. VCF-style: chr1-196743619-C-T. GRCh37 (hg19) VCF-style: chr1-196712749-C-T.
Other names: short protein forms Q1101*.
Identifiers: ClinVar variation 4293679 (VCV004293679.1).
Genomic context (GRCh38, chr1:196,743,619, plus strand): 5'-TATGAAATGTTTGGGGATGAAGAAGTGATGTGTTTAAATGGAAACTGGACGGAACCACCT[C>T]AATGCAAAGGTAGAGTATTATATTTCTTTTAACATTTTGGGGGAGTATAGCAGGGTTAAA-3'

ClinVar aggregate classification (germline): Likely pathogenic (1 of 4 stars; one submission).

Conditions:
Hemolytic uremic syndrome, atypical, susceptibility to, 1. Also called: AHUS, SUSCEPTIBILITY TO, 1. Identifiers: Orphanet 2134, Orphanet 90038, MedGen C2749604, MONDO:0009335, OMIM 235400. Disease mechanism: Other.

Submission:

3billion
Classification: Likely pathogenic for Hemolytic uremic syndrome, atypical, susceptibility to, 1. Last evaluated: 2024-12-11. Review status: criteria provided, single submitter. Criteria: ACMG Guidelines, 2015. Collection method: clinical testing. Allele origin: germline. Affected: yes.
Comment: The variant is not observed in the gnomAD v4.1.0 dataset. Predicted Consequence/Location: Stop-gained (nonsense): predicted to result in a loss or disruption of normal protein function through nonsense-mediated decay (NMD) or protein truncation. Multiple pathogenic variants are reported downstream of the variant. Therefore, this variant is classified as Likely pathogenic according to the recommendation of ACMG/AMP guideline.